The following is an entry in ClinVar:

ClinVar aggregate classification (germline): Uncertain significance (1 of 4 stars; one submission).

Conditions:
Seizures, benign familial infantile, 3 (BFIS3). Also called: CONVULSIONS, BENIGN FAMILIAL INFANTILE, 3; Familial neonatal seizures. Identifiers: Orphanet 140927, Orphanet 306, MedGen C1843140, MONDO:0011904, OMIM 607745.
Developmental and epileptic encephalopathy, 11 (DEE11). Also called: Early infantile epileptic encephalopathy 11. Identifiers: Orphanet 1934, MedGen C3150987, MONDO:0013388, OMIM 613721.

Submission:

Labcorp Genetics (formerly Invitae), Labcorp
Classification: Uncertain significance for Seizures, benign familial infantile, 3; Developmental and epileptic encephalopathy, 11. Last evaluated: 2023-06-10. Review status: criteria provided, single submitter. Criteria: Invitae Variant Classification Sherloc (09022015). Collection method: clinical testing. Allele origin: germline.
Comment: This sequence change replaces glycine, which is neutral and non-polar, with valine, which is neutral and non-polar, at codon 304 of the SCN2A protein (p.Gly304Val). In summary, the available evidence is currently insufficient to determine the role of this variant in disease. Therefore, it has been classified as a Variant of Uncertain Significance. Advanced modeling of protein sequence and biophysical properties (such as structural, functional, and spatial information, amino acid conservation, physicochemical variation, residue mobility, and thermodynamic stability) has been performed at Invitae for this missense variant, however the output from this modeling did not meet the statistical confidence thresholds required to predict the impact of this variant on SCN2A protein function. This variant has not been reported in the literature in individuals affected with SCN2A-related conditions. This variant is not present in population databases (gnomAD no frequency).

NM_001040142.2(SCN2A):c.911G>T (p.Gly304Val)

Gene: SCN2A (sodium voltage-gated channel alpha subunit 2; plus strand). Cytogenetic location: 2q24.3.
Variant type: single nucleotide variant.
Coding change: c.911G>T on transcript NM_001040142.2 (MANE Select); coding-DNA position 911, G replaced by T.
Protein change: p.Gly304Val; replaces glycine 304 with valine.
Molecular consequence: missense variant.
Genome position (GRCh38, 1-based): chr2:165,310,536, G>T. VCF-style: chr2-165310536-G-T. GRCh37 (hg19) VCF-style: chr2-166167046-G-T.
Other names: c.911G>T, p.Gly304Val (NM_001040143.2, NM_001371246.1, NM_001371247.1 and 1 more transcripts); short protein forms G304V.
Identifiers: ClinVar variation 2948758 (VCV002948758.3), dbSNP rs2467890711, ClinGen allele CA349018593.